The following is an entry in ClinVar:

ClinVar aggregate classification (germline): Likely benign (1 of 4 stars; one submission).

Submission:

CeGaT Center for Human Genetics Tuebingen
Classification: Likely benign. Last evaluated: 2026-03-01. Review status: criteria provided, single submitter. Criteria: CeGaT Center For Human Genetics Tuebingen Variant Classification Criteria Version 2. Collection method: clinical testing. Allele origin: germline. Affected: yes. Observed: 1 variant allele.
Comment: TTN: PM2:Supporting, BP4, BP7

NM_001267550.2(TTN):c.20229G>A (p.Gln6743=)

Genes: TTN (titin; minus strand), LOC126806429 (BRD4-independent group 4 enhancer GRCh37_chr2:179591393-179592592; plus strand). Cytogenetic location: 2q31.2.
Variant type: single nucleotide variant.
Coding change: c.20229G>A on transcript NM_001267550.2 (MANE Select); coding-DNA position 20229, G replaced by A.
Protein change: p.Gln6743=; no amino-acid change (glutamine 6743 retained).
Molecular consequence: synonymous variant. On other transcripts: intron variant (3).
Genome position (GRCh38, 1-based): chr2:178,727,136, C>T on the plus strand (G>A on the coding strand, the complement: TTN is on the minus strand). VCF-style: chr2-178727136-C-T. GRCh37 (hg19) VCF-style: chr2-179591863-C-T.
Other names: c.19278G>A, p.Gln6426= (NM_001256850.1); c.16497G>A, p.Gln5499= (NM_133378.4); c.13282+10946G>A (NM_003319.4); c.13858+10946G>A (NM_133437.4); c.13657+10946G>A (NM_133432.3).
Identifiers: ClinVar variation 4823787 (VCV004823787.4).